The following is an entry in ClinVar:

ClinVar aggregate classification (germline): Conflicting classifications of pathogenicity. Review status: criteria provided, conflicting classifications (1 of 4 stars). 3 submissions from 3 submitters: Uncertain significance (1); Likely benign (2). Last evaluated 2025-06-29.

Conditions:
Cardiomyopathy (CMYO). Also called: Cardiomyopathies. Identifiers: Orphanet 167848, MedGen C0878544, MONDO:0004994, HP:0001638. Inheritance: Various modes of inheritance.
Arrhythmogenic cardiomyopathy with wooly hair and keratoderma. Also called: PALMOPLANTAR KERATODERMA WITH LEFT VENTRICULAR CARDIOMYOPATHY AND WOOLLY HAIR; Dilated cardiomyopathy with woolly hair and keratoderma; Carvajal syndrome; Arrhythmogenic cardiomyopathy with woolly hair and keratoderma. Identifiers: Orphanet 65282, MedGen C1854063, MONDO:0011581, OMIM 605676.
Arrhythmogenic right ventricular dysplasia 8 (ARVD8). Also called: Arrhythmogenic Right Ventricular Dysplasia/Cardiomyopathy 8; ARRHYTHMOGENIC RIGHT VENTRICULAR DYSPLASIA, FAMILIAL, 8; ARRHYTHMOGENIC RIGHT VENTRICULAR CARDIOMYOPATHY 8. Identifiers: MedGen C1843896, MONDO:0011831, OMIM 607450.

Allele frequency attached by ClinVar (database versions not stated): TOPMed below 0.00001; ExAC 0.00001; gnomAD exomes 0.00001.
gnomAD v4.1: 4 of 1,614,152 alleles (0.00025%); highest among the groups gnomAD compares: Non-Finnish European, 0.00034%; no homozygotes.

Submissions (3):

Color Diagnostics, LLC DBA Color Health
Classification: Likely benign for Cardiomyopathy. Last evaluated: 2025-06-29. Review status: criteria provided, single submitter. Criteria: ACMG Guidelines, 2015. Collection method: clinical testing. Allele origin: germline.

Labcorp Genetics (formerly Invitae), Labcorp
Classification: Likely benign for Arrhythmogenic cardiomyopathy with wooly hair and keratoderma; Arrhythmogenic right ventricular dysplasia 8. Last evaluated: 2025-03-16. Review status: criteria provided, single submitter. Criteria: Invitae Variant Classification Sherloc (09022015). Collection method: clinical testing. Allele origin: germline.

All of Us Research Program, National Institutes of Health
Classification: Uncertain significance for Arrhythmogenic cardiomyopathy with wooly hair and keratoderma. Last evaluated: 2023-08-15. Review status: criteria provided, single submitter. Criteria: ACMG Guidelines, 2015. Collection method: clinical testing. Allele origin: germline. Inheritance: Autosomal dominant inheritance. Observed: 2 variant alleles, 2 heterozygotes.
Comment: This variant is located in the DSP protein. To our knowledge, functional studies have not been reported for this variant. This variant has not been reported in individuals affected with DSP-related disorders in the literature. This variant has been identified in 1/250912 chromosomes in the general population by the Genome Aggregation Database (gnomAD). The available evidence is insufficient to determine the role of this variant in disease conclusively. Therefore, this variant is classified as a Variant of Uncertain Significance.

This study involves interpretation of variants in research participants for the purpose of population health screening. Participant phenotype was not available at the time of variant classification. Additional details can be found in publication PMID: 35346344, PMCID: PMC8962531

NM_004415.4(DSP):c.7920C>T (p.Gly2640=)

Gene: DSP (desmoplakin; plus strand). Cytogenetic location: 6p24.3.
Variant type: single nucleotide variant.
Coding change: c.7920C>T on transcript NM_004415.4 (MANE Select); coding-DNA position 7920, C replaced by T.
Protein change: p.Gly2640=; no amino-acid change (glycine 2640 retained).
Molecular consequence: synonymous variant.
Genome position (GRCh38, 1-based): chr6:7,585,182, C>T. VCF-style: chr6-7585182-C-T. GRCh37 (hg19) VCF-style: chr6-7585415-C-T.
Other names: c.6123C>T, p.Gly2041= (NM_001008844.3); c.6591C>T, p.Gly2197= (NM_001319034.2).
Identifiers: ClinVar variation 2200571 (VCV002200571.5), dbSNP rs770447003, ClinGen allele CA051169.